The following is an entry in ClinVar:

ClinVar aggregate classification (germline): Likely pathogenic. Review status: reviewed by expert panel (3 of 4 stars). 5 submissions from 5 submitters: Likely pathogenic (1). 4 of the submissions do not count toward it. Last evaluated 2026-04-21.

Conditions:
Deficiency of guanidinoacetate methyltransferase (CCDS2). Also called: CEREBRAL CREATINE DEFICIENCY SYNDROME 2; GAMT DEFICIENCY; Guanidinoacetate Methyltransferase (GAMT) Deficiency. Identifiers: Orphanet 382, MedGen C0574080, MONDO:0012999, OMIM 612736.
Cerebral creatine deficiency syndrome. Also called: Creatine deficiency syndromes. Identifiers: Orphanet 79172, MedGen C5244016, MONDO:0000456.

Allele frequency attached by ClinVar (database versions not stated): gnomAD exomes below 0.00001 and 0.00001.
gnomAD v4.1: 9 of 1,613,390 alleles (0.00056%); highest among the groups gnomAD compares: Non-Finnish European, 0.00076%; no homozygotes.

Submissions (5):

ClinGen Cerebral Creatine Deficiency Syndromes Variant Curation Expert Panel, ClinGen
Classification: Likely pathogenic for Deficiency of guanidinoacetate methyltransferase. Last evaluated: 2026-04-21. Review status: reviewed by expert panel. Criteria: ClinGen CCDS ACMG Specifications GAMT V2.0.0. Collection method: curation. Allele origin: germline. Inheritance: Autosomal recessive inheritance.
Comment: The NM_000156.6:c.520T>C variant in GAMT is a missense variant predicted to cause substitution of tryptophan by arginine at amino acid 174 (p.Trp174Arg). Two probands have been reported with clinical symptoms consistent with GAMT deficiency, elevated guanidinoacetate and low creatine in dried blood spot, and improvement in seizures frequency on creatine treatment (PMID: 35588794) (PP4). One proband was compound heterozygous for the variant and another variant in GAMT that has been classified as pathogenic for GAMT deficiency by the ClinGen CCDS VCEP, c.403G>A (p.Asp135Asn) (ClinVar Variation ID: 573140), and confirmed in trans by parental DNA testing (PMID: 35588794) (1 point) (PM3). Another patient was compound heterozygous for the variant and c.444_448del (p.Phe149LeufsTer40) (ClinVar Variation ID: 2831012) (PMID: 35588794). The allelic data from this patient will be used in the classification of the second variant and was not included here to avoid circular logic. In addition a patient with atypical developmental epileptic encephalopathy is homozygous for the variant (PMID: 41751517). However, because no biochemical details are available, no points were given for PM3 for this patient. The highest population minor allele frequency in gnomAD v4.1.0. is 0.0000076 (9/1179976 alleles) in the non-Finnish European population, which is lower than the ClinGen CCDS VCEP’s threshold for PM2_Supporting (<0.0004), meeting this criterion (PM2_Supporting). The computational predictor REVEL gives a score of 0.808 which is in the range of 0.773-0.932, evidence that correlates with impact to GAMT function at the moderate level (PMID: 36413997) (PP3_Moderate). There is a ClinVar entry for this variant (Variation ID: 1420866). In summary, this variant meets the criteria to be classified as likely pathogenic for GAMT deficiency based on the ACMG/AMP criteria applied, as specified by the ClinGen Cerebral Creatine Deficiency Syndromes Variant Curation Expert Panel (Specifications Version 1.1.0): PM3, PP3_Moderate, PP4, PM2_Supporting. (Classification approved by the ClinGen CCDS VCEP on April 21, 2026)

Natera, Inc.
Classification: Likely pathogenic for Guanidinoacetate methyltransferase deficiency. Last evaluated: 2024-10-12. Review status: criteria provided, single submitter. Criteria: Natera Variant Classification Schema (03/2026). Collection method: clinical testing. Allele origin: germline. Not counted in ClinVar's aggregate classification.
Comment: The c.520T>C variant in GAMT is a missense variant predicted to cause substitution of tryptophan to arginine at amino acid 174. This variant is rare in the general population with a frequency below the threshold expected for the associated phenotype(s). This variant has been observed in one or more individuals affected with the associated recessive disease, as either homozygous or compound heterozygous with a second variant (PMID: 35588794). Computational prediction algorithms indicate this variant is likely to affect gene or protein function. Given the available evidence, this variant is classified as Likely Pathogenic.

Fulgent Genetics
Classification: Likely pathogenic for Deficiency of guanidinoacetate methyltransferase. Last evaluated: 2024-02-25. Review status: criteria provided, single submitter. Criteria: ACMG Guidelines, 2015. Collection method: clinical testing. Allele origin: germline. Not counted in ClinVar's aggregate classification.

Labcorp Genetics (formerly Invitae), Labcorp
Classification: Uncertain significance for Cerebral creatine deficiency syndrome. Last evaluated: 2021-08-27. Review status: criteria provided, single submitter. Criteria: Invitae Variant Classification Sherloc (09022015). Collection method: clinical testing. Allele origin: germline. Not counted in ClinVar's aggregate classification.
Comment: This sequence change replaces tryptophan with arginine at codon 174 of the GAMT protein (p.Trp174Arg). The tryptophan residue is highly conserved and there is a moderate physicochemical difference between tryptophan and arginine. This variant is not present in population databases (ExAC no frequency). This variant has not been reported in the literature in individuals affected with GAMT-related conditions. Algorithms developed to predict the effect of missense changes on protein structure and function are either unavailable or do not agree on the potential impact of this missense change (SIFT: "Deleterious"; PolyPhen-2: "Probably Damaging"; Align-GVGD: "Class C0"). In summary, the available evidence is currently insufficient to determine the role of this variant in disease. Therefore, it has been classified as a Variant of Uncertain Significance.

Blueprint Genetics
Classification: Uncertain significance. Last evaluated: 2020-04-21. Review status: criteria provided, single submitter. Criteria: ACMG Guidelines, 2015. Collection method: clinical testing. Allele origin: germline. Not counted in ClinVar's aggregate classification.

Literature cited by the submitters: PubMed 35588794 (cited by Natera, Inc.).

NM_000156.6(GAMT):c.520T>C (p.Trp174Arg)

Gene: GAMT (guanidinoacetate N-methyltransferase; minus strand). Cytogenetic location: 19p13.3.
Variant type: single nucleotide variant.
Coding change: c.520T>C on transcript NM_000156.6 (MANE Select); coding-DNA position 520, T replaced by C.
Protein change: p.Trp174Arg; replaces tryptophan 174 with arginine.
Molecular consequence: missense variant.
Genome position (GRCh38, 1-based): chr19:1,398,966, A>G on the plus strand (T>C on the coding strand, the complement: GAMT is on the minus strand). VCF-style: chr19-1398966-A-G. GRCh37 (hg19) VCF-style: chr19-1398965-A-G.
Other names: NM_000156.6(GAMT):c.520T>C; p.Trp174Arg; c.520T>C, p.Trp174Arg (NM_138924.3); c.520T>C (NM_000156.5); short protein forms W174R.
Identifiers: ClinVar variation 1420866 (VCV001420866.11), dbSNP rs891042971, ClinGen allele CA304065950.